The following is an entry in ClinVar:

GRCh37/hg19 Xp21.1(chrX:32766676-33051418)x0

Gene: DMD (dystrophin; minus strand). Cytogenetic location: Xp21.1.
Variant type: copy number loss.
Change: copy number 0 of chrX:32,766,676-33,051,418 (284.7 kb, GRCh37 coordinates, 1-based), cytogenetic band Xp21.1.
Identifiers: ClinVar variation 4277344 (VCV004277344.1).

ClinVar aggregate classification (germline): Pathogenic (1 of 4 stars; one submission).

Conditions:
Becker muscular dystrophy (BMD). Also called: MUSCULAR DYSTROPHY, PSEUDOHYPERTROPHIC PROGRESSIVE, BECKER TYPE; Becker Muscular Dystrophy (BMD). Identifiers: Orphanet 98895, MedGen C0917713, MONDO:0010311, OMIM 300376.
Duchenne muscular dystrophy (DMD). Also called: MUSCULAR DYSTROPHY, PSEUDOHYPERTROPHIC PROGRESSIVE, DUCHENNE TYPE; Duchenne Muscular Dystrophy (DMD). Identifiers: Orphanet 98896, MedGen C0013264, MONDO:0010679, OMIM 310200.

Submission:

Hunan Provincial Maternal and Child Health Care Hospital
Classification: Pathogenic for Duchenne muscular dystrophy; Becker muscular dystrophy. Last evaluated: 2024-07-01. Review status: criteria provided, single submitter. Criteria: ACMG/ClinGen CNV Guidelines, 2019. Collection method: clinical testing. Allele origin: maternal. Inheritance: X-linked recessive inheritance.
Comment: This is a copy-number loss (deletion) on chrX (GRCh37: g.32766676_33051418del; ~284 kb) that overlaps exons 2–7 of the DMD gene (OMIM: 300377; NM_000109). Loss-of-function of DMD is a known cause of Duchenne/Becker muscular dystrophy. Similar deletions of exons 3–7 have been reported in affected individuals (PMID: 22090376). Based on ACMG/ClinGen CNV criteria, this variant is classified as Pathogenic.